The following is an entry in ClinVar:

ClinVar aggregate classification (germline): Uncertain significance. Review status: criteria provided, multiple submitters, no conflicts (2 of 4 stars). 4 submissions from 4 submitters: Uncertain significance (4). Last evaluated 2026-10-08.

Conditions:
Inborn genetic diseases. Identifiers: MedGen C0950123, MeSH D030342.
Generalized epilepsy-paroxysmal dyskinesia syndrome (PNKD3). Also called: Generalized epilepsy and paroxysmal dyskinesia; Paroxysmal nonkinesigenic dyskinesia, 3, with or without generalized epilepsy. Identifiers: Orphanet 79137, MedGen C5574945, MONDO:0012276, OMIM 609446.

Submissions (4):

GeneDx
Classification: Uncertain significance. Last evaluated: 2026-10-08. Review status: criteria provided, single submitter. Criteria: GeneDx Variant Classification Process June 2021. Collection method: clinical testing. Allele origin: germline.
Comment: In silico analysis suggests that this variant does not alter protein structure/function; In-frame deletion of 8 amino acids in a non-repeat region; This variant is associated with the following publications: (PMID: 31440721)

Labcorp Genetics (formerly Invitae), Labcorp
Classification: Uncertain significance for Generalized epilepsy-paroxysmal dyskinesia syndrome. Last evaluated: 2025-08-11. Review status: criteria provided, single submitter. Criteria: Invitae Variant Classification Sherloc (09022015). Collection method: clinical testing. Allele origin: germline.
Comment: This variant, c.31_54del, results in the deletion of 8 amino acid(s) of the KCNMA1 protein (p.Ser11_Gly18del), but otherwise preserves the integrity of the reading frame. The frequency data for this variant in the population databases is considered unreliable, as metrics indicate poor data quality at this position in the gnomAD database. This variant has not been reported in the literature in individuals affected with KCNMA1-related conditions. ClinVar contains an entry for this variant (Variation ID: 129327). Experimental studies and prediction algorithms are not available or were not evaluated, and the functional significance of this variant is currently unknown. In summary, the available evidence is currently insufficient to determine the role of this variant in disease. Therefore, it has been classified as a Variant of Uncertain Significance.

Ambry Genetics
Classification: Uncertain significance for Inborn genetic diseases. Last evaluated: 2025-06-13. Review status: criteria provided, single submitter. Criteria: Ambry Variant Classification Scheme 2023. Collection method: clinical testing. Allele origin: germline.
Comment: Unlikely to be causative of KCNMA1-related neurological disorder (AD) Based on insufficient or conflicting evidence, the clinical significance of this alteration remains unclear.

Genetic Services Laboratory, University of Chicago
Classification: Uncertain significance. Last evaluated: 2013-10-02. Review status: criteria provided, single submitter. Criteria: ACMG Guidelines, 2007. Collection method: clinical testing. Allele origin: germline. Inheritance: Autosomal dominant inheritance.

Literature cited by the submitters: PubMed 31440721 (cited by Ambry Genetics); PubMed 34224328 (cited by Ambry Genetics).

NM_001161352.2(KCNMA1):c.31_54del (p.Ser11_Gly18del)

Gene: KCNMA1 (potassium calcium-activated channel subfamily M alpha 1; minus strand). Cytogenetic location: 10q22.3.
Variant type: Deletion.
Coding change: c.31_54del on transcript NM_001161352.2 (MANE Select); coding-DNA positions 31 to 54, 24 bases deleted (AGCAGCGGCGGCGGCGGCGGCGGC).
Protein change: p.Ser11_Gly18del.
Molecular consequence: inframe deletion.
Genome position (GRCh38, 1-based): chr10:77,637,589-77,637,612, GCCGCCGCCGCCGCCGCCGCTGCT deleted on the plus strand (AGCAGCGGCGGCGGCGGCGGCGGC on the coding strand, the reverse complement: KCNMA1 is on the minus strand); deleting any 24 consecutive bases within chr10:77,637,589-77,637,630 gives the same sequence; the c. name uses the placement nearest the transcript's 3' end. VCF-style (leftmost placement, unchanged base first): chr10-77637588-CGCCGCCGCCGCCGCCGCCGCTGCT-C. GRCh37 (hg19) VCF-style: chr10-79397346-CGCCGCCGCCGCCGCCGCCGCTGCT-C.
Other names: c.31_54del24 (NM_002247.3); c.31_54del, p.Ser11_Gly18del (NM_001014797.3, NM_001161353.2, NM_001271518.2 and 12 more transcripts); c.31_54delAGCAGCGGCGGCGGCGGCGGCGGC (NM_002247.3).
Identifiers: ClinVar variation 129327 (VCV000129327.19), dbSNP rs587780364, ClinGen allele CA231189.
Genomic context (GRCh38, chr10:77,637,588, plus strand): 5'-ACGCGTCTAGGCTGAGATGGTTCGCGTGGATATTGCTACTCATTCTAAGACTGCTGCCTC[CGCCGCCGCCGCCGCCGCCGCTGCT>C]GCCGCCGCCGCCGCCGCCACCATTTGCCATAGCTAGCAACGGGCAGCCGGCGCAGGGGCT-3'